The following is an entry in ClinVar:

ClinVar aggregate classification (germline): Uncertain significance. Review status: criteria provided, multiple submitters, no conflicts (2 of 4 stars). 2 submissions from 2 submitters: Uncertain significance (2). Last evaluated 2026-01-17.

Conditions:
Inborn genetic diseases. Identifiers: MedGen C0950123, MeSH D030342.

Allele frequency attached by ClinVar (database versions not stated): TOPMed 0.00002; gnomAD 0.00005; ExAC 0.00006; ESP Exome Variant Server 0.00015.

Submissions (2):

Labcorp Genetics (formerly Invitae), Labcorp
Classification: Uncertain significance. Last evaluated: 2026-01-17. Review status: criteria provided, single submitter. Criteria: Invitae Variant Classification Sherloc (09022015). Collection method: clinical testing. Allele origin: germline.
Comment: This sequence change replaces valine, which is neutral and non-polar, with isoleucine, which is neutral and non-polar, at codon 99 of the ERCC6 protein (p.Val99Ile). This variant is present in population databases (rs375699479, gnomAD 0.007%). This variant has not been reported in the literature in individuals affected with ERCC6-related conditions. ClinVar contains an entry for this variant (Variation ID: 2151799). Invitae Evidence Modeling of protein sequence and biophysical properties (such as structural, functional, and spatial information, amino acid conservation, physicochemical variation, residue mobility, and thermodynamic stability) indicates that this missense variant is not expected to disrupt ERCC6 protein function with a negative predictive value of 95%. In summary, the available evidence is currently insufficient to determine the role of this variant in disease. Therefore, it has been classified as a Variant of Uncertain Significance.

Ambry Genetics
Classification: Uncertain significance for Inborn genetic diseases. Last evaluated: 2025-03-19. Review status: criteria provided, single submitter. Criteria: Ambry Variant Classification Scheme 2023. Collection method: clinical testing. Allele origin: germline.

NM_000124.4(ERCC6):c.295G>A (p.Val99Ile)

Gene: ERCC6 (ERCC excision repair 6, chromatin remodeling factor; minus strand). Cytogenetic location: 10q11.23.
Variant type: single nucleotide variant.
Coding change: c.295G>A on transcript NM_000124.4 (MANE Select); coding-DNA position 295, G replaced by A.
Protein change: p.Val99Ile; replaces valine 99 with isoleucine.
Molecular consequence: missense variant.
Genome position (GRCh38, 1-based): chr10:49,532,670, C>T on the plus strand (G>A on the coding strand, the complement: ERCC6 is on the minus strand). VCF-style: chr10-49532670-C-T. GRCh37 (hg19) VCF-style: chr10-50740716-C-T.
Other names: c.295G>A, p.Val99Ile (NM_001277058.2, NM_001277059.2, NM_001346440.2); short protein forms V99I.
Identifiers: ClinVar variation 2151799 (VCV002151799.4), dbSNP rs375699479, ClinGen allele CA5496586.
Genomic context (GRCh38, chr10:49,532,670, plus strand): 5'-CATGGATGGCATTGTCCACCTGCTGAAGCACTCCCTGTTCCAGCACGTCCTGGTCATAGA[C>T]GTCCACACCCAAACCCTGCAGCTCAAGGGCCTGGGCGCTAGGCTCTACTGCCTGGATCTG-3'
Protein context (NP_000115.1, residues 89-109): ALELQGLGVD[Val99Ile]YDQDVLEQGV